The following is an entry in ClinVar:

NM_004100.5(EYA4):c.1840-2dup

Genes: EYA4 (EYA transcriptional coactivator and phosphatase 4; plus strand), TARID (TCF21 antisense RNA inducing promoter demethylation; minus strand). Cytogenetic location: 6q23.2.
Variant type: Duplication.
Coding change: c.1840-2dup on transcript NM_004100.5 (MANE Select); the canonical splice acceptor site of the intron before coding-DNA position 1840, one base duplicated (A; older notation c.1840-2dupA).
Molecular consequence: splice acceptor variant.
Genome position (GRCh38, 1-based): chr6:133,528,723, A duplicated. VCF-style (leftmost placement, unchanged base first): chr6-133528722-C-CA. GRCh37 (hg19) VCF-style: chr6-133849860-C-CA.
Other names: c.1840-2dupA (NM_004100.4); c.1771-2dup (NM_001370458.1, NM_172103.4); c.1696-2dup (NM_001370459.1); c.1678-2dup (NM_001301012.2); c.1858-2dup (NM_001301013.2); c.1840-2dup (NM_172105.4).
Identifiers: ClinVar variation 1350259 (VCV001350259.7), dbSNP rs2128827320, ClinGen allele CA2573140568.

ClinVar aggregate classification (germline): Uncertain significance. Review status: criteria provided, multiple submitters, no conflicts (2 of 4 stars). 2 submissions from 2 submitters: Uncertain significance (2). Last evaluated 2025-08-21.

Conditions:
Cardiovascular phenotype. Identifiers: MedGen CN230736.
Dilated cardiomyopathy 1J (CMD1J). Also called: CARDIOMYOPATHY, DILATED, WITH SENSORINEURAL HEARING LOSS, AUTOSOMAL DOMINANT. Identifiers: Orphanet 217622, MedGen C1854368, MONDO:0011541, OMIM 605362.

Submissions (2):

Ambry Genetics
Classification: Uncertain significance for Cardiovascular phenotype. Last evaluated: 2025-08-21. Review status: criteria provided, single submitter. Criteria: Ambry Variant Classification Scheme 2023. Collection method: clinical testing. Allele origin: germline.
Comment: The c.1840-2dupA intronic variant, results from a duplication of two nucleotides at nucleotide position 1840 before intron 18 of the EYA4 gene. This nucleotide position is highly conserved in available vertebrate species. In silico splice site analysis for this alteration is inconclusive. Based on the available evidence, the clinical significance of this variant remains unclear.

Labcorp Genetics (formerly Invitae), Labcorp
Classification: Uncertain significance for Dilated cardiomyopathy 1J. Last evaluated: 2024-09-03. Review status: criteria provided, single submitter. Criteria: Invitae Variant Classification Sherloc (09022015). Collection method: clinical testing. Allele origin: germline.
Comment: This sequence change falls in intron 19 of the EYA4 gene. It does not directly change the encoded amino acid sequence of the EYA4 protein. It affects a nucleotide within the consensus splice site. This variant is not present in population databases (gnomAD no frequency). This variant has not been reported in the literature in individuals affected with EYA4-related conditions. ClinVar contains an entry for this variant (Variation ID: 1350259). Variants that disrupt the consensus splice site are a relatively common cause of aberrant splicing (PMID: 17576681, 9536098). In summary, the available evidence is currently insufficient to determine the role of this variant in disease. Therefore, it has been classified as a Variant of Uncertain Significance.

Literature cited by the submitters: PubMed 17576681 (cited by Labcorp Genetics (formerly Invitae), Labcorp); PubMed 9536098 (cited by Labcorp Genetics (formerly Invitae), Labcorp).